The following is an entry in ClinVar:

NM_001384140.1(PCDH15):c.2458A>G (p.Thr820Ala)

Gene: PCDH15 (protocadherin related 15; minus strand). Cytogenetic location: 10q21.1.
Variant type: single nucleotide variant.
Coding change: c.2458A>G on transcript NM_001384140.1 (MANE Select); coding-DNA position 2458, A replaced by G.
Protein change: p.Thr820Ala; replaces threonine 820 with alanine.
Molecular consequence: missense variant.
Genome position (GRCh38, 1-based): chr10:54,022,960, T>C on the plus strand (A>G on the coding strand, the complement: PCDH15 is on the minus strand). VCF-style: chr10-54022960-T-C. GRCh37 (hg19) VCF-style: chr10-55782720-T-C.
Other names: c.2473A>G, p.Thr825Ala (NM_001142763.2, NM_001142771.2); c.2458A>G, p.Thr820Ala (NM_001142764.2, NM_001142766.2, NM_001142770.3 and 5 more transcripts); c.2245A>G, p.Thr749Ala (NM_001142765.2); c.2347A>G, p.Thr783Ala (NM_001142767.2); c.2392A>G, p.Thr798Ala (NM_001142768.2, NM_001142773.2, NM_001354404.2); c.2494A>G, p.Thr832Ala (NM_001142769.4); c.2479A>G, p.Thr827Ala (NM_001354411.2); short protein forms T820A, T827A, T832A, T749A, T798A, T783A, T825A.
Identifiers: ClinVar variation 2189834 (VCV002189834.4), dbSNP rs2539202415, ClinGen allele CA376523257.

ClinVar aggregate classification (germline): Uncertain significance (1 of 4 stars; one submission).

Submission:

Labcorp Genetics (formerly Invitae), Labcorp
Classification: Uncertain significance. Last evaluated: 2022-07-02. Review status: criteria provided, single submitter. Criteria: Invitae Variant Classification Sherloc (09022015). Collection method: clinical testing. Allele origin: germline.
Comment: Algorithms developed to predict the effect of missense changes on protein structure and function are either unavailable or do not agree on the potential impact of this missense change (SIFT: "Deleterious"; PolyPhen-2: "Benign"; Align-GVGD: "Class C0"). This variant has not been reported in the literature in individuals affected with PCDH15-related conditions. This variant is not present in population databases (gnomAD no frequency). This sequence change replaces threonine, which is neutral and polar, with alanine, which is neutral and non-polar, at codon 820 of the PCDH15 protein (p.Thr820Ala). In summary, the available evidence is currently insufficient to determine the role of this variant in disease. Therefore, it has been classified as a Variant of Uncertain Significance.